The following is an entry in ClinVar:

NM_000130.5(F5):c.6491_6511del (p.Trp2164_Lys2170del)

Gene: F5 (coagulation factor V; minus strand). Cytogenetic location: 1q24.2.
Variant type: Deletion.
Coding change: c.6491_6511del on transcript NM_000130.5 (MANE Select); coding-DNA positions 6491 to 6511, 21 bases deleted (GGAAACCATACAGGCTGAAAT).
Protein change: p.Trp2164_Lys2170del.
Molecular consequence: inframe deletion.
Genome position (GRCh38, 1-based): chr1:169,515,461-169,515,481, ATTTCAGCCTGTATGGTTTCC deleted on the plus strand (GGAAACCATACAGGCTGAAAT on the coding strand, the reverse complement: F5 is on the minus strand); deleting any 21 consecutive bases within chr1:169,515,461-169,515,484 gives the same sequence; the c. name uses the placement nearest the transcript's 3' end. VCF-style (leftmost placement, unchanged base first): chr1-169515460-GATTTCAGCCTGTATGGTTTCC-G. GRCh37 (hg19) VCF-style: chr1-169484698-GATTTCAGCCTGTATGGTTTCC-G.
Identifiers: ClinVar variation 4691150 (VCV004691150.1).

ClinVar aggregate classification (germline): Uncertain significance (1 of 4 stars; one submission).

Conditions:
Congenital factor V deficiency. Also called: LABILE FACTOR DEFICIENCY; OWREN PARAHEMOPHILIA; PARAHEMOPHILIA; Hereditary factor V deficiency disease. Identifiers: Orphanet 326, MedGen C0015499, MONDO:0009210, OMIM 227400.

Submission:

Labcorp Genetics (formerly Invitae), Labcorp
Classification: Uncertain significance for Congenital factor V deficiency. Last evaluated: 2025-09-30. Review status: criteria provided, single submitter. Criteria: Invitae Variant Classification Sherloc (09022015). Collection method: clinical testing. Allele origin: germline.
Comment: This variant, c.6491_6511del, results in the deletion of 7 amino acid(s) of the F5 protein (p.Trp2164_Lys2170del), but otherwise preserves the integrity of the reading frame. This variant is not present in population databases (gnomAD no frequency). This variant has not been reported in the literature in individuals affected with F5-related conditions. Experimental studies and prediction algorithms are not available or were not evaluated, and the functional significance of this variant is currently unknown. This variant disrupts a region of the F5 protein in which other variant(s) (p.Trp2164Cys) have been observed in individuals with F5-related conditions (PMID: 31399523). This suggests that this is a clinically significant region of the protein, and that variants that disrupt it are likely to be disease-causing. In summary, the available evidence is currently insufficient to determine the role of this variant in disease. Therefore, it has been classified as a Variant of Uncertain Significance.

Literature cited by the submitters: PubMed 31399523.